The following is an entry in ClinVar:

ClinVar aggregate classification (germline): Likely pathogenic. Review status: criteria provided, multiple submitters, no conflicts (2 of 4 stars). 2 submissions from 2 submitters: Likely pathogenic (2). Last evaluated 2025-11-07.

Conditions:
Inborn genetic diseases. Identifiers: MedGen C0950123, MeSH D030342.

Allele frequency attached by ClinVar (database versions not stated): gnomAD exomes below 0.00001.
gnomAD v4.1: 1 of 1,613,282 alleles (0.000062%); highest among the groups gnomAD compares: Non-Finnish European, 0.000085%; no homozygotes.

Submissions (2):

Ambry Genetics
Classification: Likely pathogenic for Inborn genetic diseases. Last evaluated: 2025-11-07. Review status: criteria provided, single submitter. Criteria: Ambry Variant Classification Scheme 2023. Collection method: clinical testing. Allele origin: germline.
Comment: The c.27+1G>A intronic variant results from a G to A substitution one nucleotide after coding exon 1 of the DDX41 gene. In silico splice site analysis predicts that this alteration will weaken the native splice donor site. The stop codon in the predicted resulting transcript occurs in the 5' end ofthe gene. As such, this alteration may escape nonsense-mediated mRNAdecay and/or be prone to rescue by re-initiation (Rivas et al. Science. 2015 May 8;348(6235):666-9; Lindeboom et al. Nat Genet. 2016 Oct;48(10):1112-8; Rhee et al. Sci Rep. 2017 May 10;7(1):1653). The exact functional effect of this alteration is unknown; however, the region predicted to be impacted is critical for protein function (Ambry internal data). Based on the majority of available evidence to date, this variant is likely to be pathogenic.

Labcorp Genetics (formerly Invitae), Labcorp
Classification: Likely pathogenic. Last evaluated: 2024-12-21. Review status: criteria provided, single submitter. Criteria: Invitae Variant Classification Sherloc (09022015). Collection method: clinical testing. Allele origin: germline.
Comment: This sequence change affects a donor splice site in intron 1 of the DDX41 gene. It is expected to disrupt RNA splicing. Variants that disrupt the donor or acceptor splice site typically lead to a loss of protein function (PMID: 16199547), and loss-of-function variants in DDX41 are known to be pathogenic (PMID: 26712909, 27133828). This variant is not present in population databases (gnomAD no frequency). This variant has not been reported in the literature in individuals affected with DDX41-related conditions. ClinVar contains an entry for this variant (Variation ID: 2956641). Algorithms developed to predict the effect of sequence changes on RNA splicing suggest that this variant may disrupt the consensus splice site. In summary, the currently available evidence indicates that the variant is pathogenic, but additional data are needed to prove that conclusively. Therefore, this variant has been classified as Likely Pathogenic.

Literature cited by the submitters: PubMed 16199547 (cited by Labcorp Genetics (formerly Invitae), Labcorp); PubMed 26712909 (cited by Labcorp Genetics (formerly Invitae), Labcorp); PubMed 27133828 (cited by Labcorp Genetics (formerly Invitae), Labcorp).

NM_016222.4(DDX41):c.27+1G>A

Gene: DDX41 (DEAD-box helicase 41; minus strand). Cytogenetic location: 5q35.3.
Variant type: single nucleotide variant.
Coding change: c.27+1G>A on transcript NM_016222.4 (MANE Select); the canonical splice donor site of the intron after coding-DNA position 27, G replaced by A.
Molecular consequence: splice donor variant.
Genome position (GRCh38, 1-based): chr5:177,516,918, C>T on the plus strand (G>A on the coding strand, the complement: DDX41 is on the minus strand). VCF-style: chr5-177516918-C-T. GRCh37 (hg19) VCF-style: chr5-176943919-C-T.
Other names: c.-421+1G>A (NM_001321830.2); c.-629+1G>A (NM_001321732.2); c.27+1G>A (NM_016222.2).
Identifiers: ClinVar variation 2956641 (VCV002956641.4), dbSNP rs2532092356, ClinGen allele CA362378153.